The following is an entry in ClinVar:

NM_001079520.2(DACT1):c.1008C>T (p.Asn336=)

Gene: DACT1 (dishevelled binding antagonist of beta catenin 1; plus strand). Cytogenetic location: 14q23.1.
Variant type: single nucleotide variant.
Coding change: c.1008C>T on transcript NM_001079520.2 (MANE Select); coding-DNA position 1008, C replaced by T.
Protein change: p.Asn336=; no amino-acid change (asparagine 336 retained).
Molecular consequence: synonymous variant. On other transcripts: non-coding transcript variant (5).
Genome position (GRCh38, 1-based): chr14:58,645,742, C>T. VCF-style: chr14-58645742-C-T. GRCh37 (hg19) VCF-style: chr14-59112460-C-T.
Other names: c.1119C>T, p.Asn373= (NM_016651.6).
Identifiers: ClinVar variation 3042774 (VCV003042774.2), dbSNP rs144700196, ClinGen allele CA7206708.

ClinVar aggregate classification (germline): Likely benign (0 of 4 stars; one submission).

Conditions:
DACT1-related disorder. Also called: DACT1-related condition.

Allele frequency attached by ClinVar (database versions not stated): gnomAD exomes 0.00006; ExAC 0.00012; gnomAD 0.00039; TOPMed 0.00045; ESP Exome Variant Server 0.00062.
gnomAD v4.1: 140 of 1,614,068 alleles (0.0087%); highest among the groups gnomAD compares: African/African-American, 0.13%; 2 homozygotes.

Submission:

PreventionGenetics, part of Exact Sciences
Classification: Likely benign for DACT1-related condition. Last evaluated: 2019-06-27. Review status: no assertion criteria provided. Collection method: clinical testing. Allele origin: germline.
Comment: This variant is classified as likely benign based on ACMG/AMP sequence variant interpretation guidelines (Richards et al. 2015 PMID: 25741868, with internal and published modifications).